The following is an entry in ClinVar:

NM_002880.4(RAF1):c.1799C>A (p.Pro600His)

Gene: RAF1 (Raf-1 proto-oncogene, serine/threonine kinase; minus strand). Cytogenetic location: 3p25.2.
Variant type: single nucleotide variant.
Coding change: c.1799C>A on transcript NM_002880.4 (MANE Select); coding-DNA position 1799, C replaced by A.
Protein change: p.Pro600His; replaces proline 600 with histidine.
Molecular consequence: missense variant. On other transcripts: non-coding transcript variant (3).
Genome position (GRCh38, 1-based): chr3:12,584,851, G>T on the plus strand (C>A on the coding strand, the complement: RAF1 is on the minus strand). VCF-style: chr3-12584851-G-T. GRCh37 (hg19) VCF-style: chr3-12626350-G-T.
Other names: c.1859C>A, p.Pro620His (NM_001354689.3); c.1799C>A, p.Pro600His (NM_001354690.3); c.1556C>A, p.Pro519His (NM_001354691.3, NM_001354692.3); c.1700C>A, p.Pro567His (NM_001354693.3); c.1616C>A, p.Pro539His (NM_001354694.3); c.1457C>A, p.Pro486His (NM_001354695.3); short protein forms P486H, P519H, P539H, P567H, P600H, P620H.
Identifiers: ClinVar variation 4804951 (VCV004804951.3).

ClinVar aggregate classification (germline): Uncertain significance. Review status: criteria provided, multiple submitters, no conflicts (2 of 4 stars). 3 submissions from 3 submitters: Uncertain significance (3). Last evaluated 2026-01-30.

Conditions:
RASopathy. Also called: Noonan spectrum disorder; rasopathies. Identifiers: Orphanet 536391, MedGen C5555857, MONDO:0021060.

Submissions (3):

GeneDx
Classification: Uncertain significance. Last evaluated: 2026-01-30. Review status: criteria provided, single submitter. Criteria: GeneDx Variant Classification Process June 2021. Collection method: clinical testing. Allele origin: germline.
Comment: Not observed at significant frequency in large population cohorts (gnomAD); Missense variants in this gene are a common cause of disease and they are underrepresented in the general population; In silico analysis supports that this missense variant has a deleterious effect on protein structure/function; Has not been previously published as pathogenic or benign to our knowledge; This variant is associated with the following publications: (PMID: 29493581)

Labcorp Genetics (formerly Invitae), Labcorp
Classification: Uncertain significance for RASopathy. Last evaluated: 2025-05-11. Review status: criteria provided, single submitter. Criteria: Invitae Variant Classification Sherloc (09022015). Collection method: clinical testing. Allele origin: germline.
Comment: This sequence change replaces proline, which is neutral and non-polar, with histidine, which is basic and polar, at codon 600 of the RAF1 protein (p.Pro600His). This variant is not present in population databases (gnomAD no frequency). This variant has not been reported in the literature in individuals affected with RAF1-related conditions. Invitae Evidence Modeling of protein sequence and biophysical properties (such as structural, functional, and spatial information, amino acid conservation, physicochemical variation, residue mobility, and thermodynamic stability) indicates that this missense variant is expected to disrupt RAF1 protein function with a positive predictive value of 95%. In summary, the available evidence is currently insufficient to determine the role of this variant in disease. Therefore, it has been classified as a Variant of Uncertain Significance.

Blueprint Genetics
Classification: Uncertain significance. Last evaluated: 2019-12-27. Review status: criteria provided, single submitter. Criteria: ACMG Guidelines, 2015. Collection method: clinical testing. Allele origin: germline.